The following is an entry in ClinVar:

ClinVar aggregate classification (germline): Uncertain significance (1 of 4 stars; one submission).

Submission:

GeneDx
Classification: Uncertain significance. Last evaluated: 2022-12-19. Review status: criteria provided, single submitter. Criteria: GeneDx Variant Classification Process June 2021. Collection method: clinical testing. Allele origin: germline. Affected: yes.
Comment: Not observed at significant frequency in large population cohorts (gnomAD); In silico analysis supports that this missense variant has a deleterious effect on protein structure/function; Has not been previously published as pathogenic or benign to our knowledge

NM_182641.4(BPTF):c.5765A>G (p.Gln1922Arg)

Gene: BPTF (bromodomain PHD finger transcription factor; plus strand). Cytogenetic location: 17q24.2.
Variant type: single nucleotide variant.
Coding change: c.5765A>G on transcript NM_182641.4 (MANE Select); coding-DNA position 5765, A replaced by G.
Protein change: p.Gln1922Arg; replaces glutamine 1922 with arginine.
Molecular consequence: missense variant.
Genome position (GRCh38, 1-based): chr17:67,928,368, A>G. VCF-style: chr17-67928368-A-G. GRCh37 (hg19) VCF-style: chr17-65924484-A-G.
Other names: c.6143A>G, p.Gln2048Arg (NM_004459.7); short protein forms Q1922R, Q2048R.
Identifiers: ClinVar variation 2505879 (VCV002505879.1), dbSNP rs2511972517, ClinGen allele CA400716677.